The following is an entry in ClinVar:

ClinVar aggregate classification (germline): Uncertain significance. Review status: criteria provided, multiple submitters, no conflicts (2 of 4 stars). 2 submissions from 2 submitters: Uncertain significance (2). Last evaluated 2025-03-14.

Conditions:
Mitochondrial DNA depletion syndrome 13. Also called: FBXL4-Related Encephalomyopathic Mitochondrial DNA Depletion Syndrome; Mitochondrial DNA depletion syndrome 13 (encephalomyopathic type). Identifiers: Orphanet 369897, MedGen C3809592, MONDO:0014198, OMIM 615471.
Inborn genetic diseases. Identifiers: MedGen C0950123, MeSH D030342.

Allele frequency attached by ClinVar (database versions not stated): TOPMed 0.00002.
gnomAD v4.1: 29 of 1,607,186 alleles (0.0018%); highest among the groups gnomAD compares: Non-Finnish European, 0.0024%; no homozygotes.

Submissions (2):

Ambry Genetics
Classification: Uncertain significance for Inborn genetic diseases. Last evaluated: 2025-03-14. Review status: criteria provided, single submitter. Criteria: Ambry Variant Classification Scheme 2023. Collection method: clinical testing. Allele origin: germline.

Wong Mito Lab, Molecular and Human Genetics, Baylor College of Medicine
Classification: Uncertain significance for Mitochondrial DNA depletion syndrome 13. Last evaluated: 2017-08-10. Review status: criteria provided, single submitter. Criteria: ACMG Guidelines, 2015. Collection method: reference population. Allele origin: germline.
Comment: The NM_012160.4:c.1721C>A (NP_036292.2:p.Pro574Gln) [GRCH38: NC_000006.12:g.98874423G>T] variant in FBXL4 gene is interpretated to be a Uncertain Significance - Conflicting Evidence based on ACMG guidelines (PMID: 25741868). This variant meets one or more of the following evidence codes reported in the ACMG-guideline. PM2:This variant is absent in key population databases. BP4:Computational evidence/predictors indicate no impact on the FBXL4 structure, function, or protein-protein interaction. Based on this evidence code ClinGen Pathogenicity Calculator (PMID:28081714) suggested that the variant is Uncertain Significance - Conflicting Evidence.

NM_001278716.2(FBXL4):c.1721C>A (p.Pro574Gln)

Gene: FBXL4 (F-box and leucine rich repeat protein 4; minus strand). Cytogenetic location: 6q16.1.
Variant type: single nucleotide variant.
Coding change: c.1721C>A on transcript NM_001278716.2 (MANE Select); coding-DNA position 1721, C replaced by A.
Protein change: p.Pro574Gln; replaces proline 574 with glutamine.
Molecular consequence: missense variant. On other transcripts: non-coding transcript variant (1).
Genome position (GRCh38, 1-based): chr6:98,874,423, G>T on the plus strand (C>A on the coding strand, the complement: FBXL4 is on the minus strand). VCF-style: chr6-98874423-G-T. GRCh37 (hg19) VCF-style: chr6-99322299-G-T.
Other names: c.1721C>A (NM_012160.3); c.1721C>A, p.Pro574Gln (NM_012160.5); short protein forms P574Q.
Identifiers: ClinVar variation 437798 (VCV000437798.2), dbSNP rs779731686, ClinGen allele CA3933359.
Genomic context (GRCh38, chr6:98,874,423, plus strand): 5'-AAGGACACATCAAGTAAAGAAAGATCTTTACAAGATTCCAGGAGTTTTCTTAAGGATGCC[G>T]GACTTACCATTCTTGTTCCTATTTAAGGGAAACAAAACAAAACAAAACAAAACACCTTAA-3'
Protein context (NP_001265645.1, residues 564-584): LDILGTRMVS[Pro574Gln]ASLRKLLESC